The following is an entry in ClinVar:

NM_001123385.2(BCOR):c.4908G>A (p.Val1636=)

Gene: BCOR (BCL6 corepressor; minus strand). Cytogenetic location: Xp11.4.
Variant type: single nucleotide variant.
Coding change: c.4908G>A on transcript NM_001123385.2 (MANE Select); coding-DNA position 4908, G replaced by A.
Protein change: p.Val1636=; no amino-acid change (valine 1636 retained).
Molecular consequence: synonymous variant.
Genome position (GRCh38, 1-based): chrX:40,053,954, C>T on the plus strand (G>A on the coding strand, the complement: BCOR is on the minus strand). VCF-style: chrX-40053954-C-T. GRCh37 (hg19) VCF-style: chrX-39913207-C-T.
Other names: c.4806G>A, p.Val1602= (NM_001123383.2, NM_017745.6); c.4752G>A, p.Val1584= (NM_001123384.2).
Identifiers: ClinVar variation 3030777 (VCV003030777.2), dbSNP rs1198182534, ClinGen allele CA515962435.

ClinVar aggregate classification (germline): Likely benign (0 of 4 stars; one submission).

Conditions:
BCOR-related disorder. Also called: BCOR-related disorders; BCOR-related condition.

Allele frequency attached by ClinVar (database versions not stated): gnomAD 0.00002; TOPMed 0.00001.
gnomAD v4.1: 2 of 1,209,260 alleles (0.00017%); highest among the groups gnomAD compares: African/African-American, 0.0035%; no homozygotes.

Submission:

PreventionGenetics, part of Exact Sciences
Classification: Likely benign for BCOR-related condition. Last evaluated: 2021-04-02. Review status: no assertion criteria provided. Collection method: clinical testing. Allele origin: germline.
Comment: This variant is classified as likely benign based on ACMG/AMP sequence variant interpretation guidelines (Richards et al. 2015 PMID: 25741868, with internal and published modifications).